The following is an entry in ClinVar:

NM_000352.6(ABCC8):c.1247del (p.Gln416fs)

Gene: ABCC8 (ATP binding cassette subfamily C member 8; minus strand). Cytogenetic location: 11p15.1.
Variant type: Deletion.
Coding change: c.1247del on transcript NM_000352.6 (MANE Select); coding-DNA position 1247, one base deleted (A; older notation c.1247delA).
Protein change: p.Gln416fs; shifts the reading frame from glutamine 416.
Molecular consequence: frameshift variant. On other transcripts: non-coding transcript variant (1).
Genome position (GRCh38, 1-based): chr11:17,448,601, T deleted on the plus strand (A on the coding strand, the reverse complement: ABCC8 is on the minus strand). VCF-style (leftmost placement, unchanged base first): chr11-17448600-CT-C. GRCh37 (hg19) VCF-style: chr11-17470147-CT-C.
Other names: c.1247del, p.Gln416fs (NM_001287174.3, NM_001351295.2); c.1244del, p.Gln415fs (NM_001351296.2, NM_001351297.2); short protein forms Q415fs, Q416fs.
Identifiers: ClinVar variation 5015326 (VCV005015326.1).

ClinVar aggregate classification (germline): Pathogenic (1 of 4 stars; one submission).

Conditions:
Hyperinsulinemic hypoglycemia, familial, 1 (HHF1). Also called: HYPERINSULINISM, FAMILIAL, WITH PANCREATIC NESIDIOBLASTOSIS; HYPOGLYCEMIA, HYPERINSULINEMIC, OF INFANCY; NESIDIOBLASTOSIS OF PANCREAS; Persistent Hyperinsulinemia Hypoglycemia of Infancy; Persistent hyperinsulinemic hypoglycemia of infancy. Identifiers: Orphanet 276575, Orphanet 276598, MedGen C2931832, MONDO:0009734, OMIM 256450.

Submission:

Myriad Genetics, Inc.
Classification: Pathogenic for Hyperinsulinemic hypoglycemia, familial, 1. Last evaluated: 2025-12-15. Review status: criteria provided, single submitter. Criteria: Myriad Autosomal Dominant, Autosomal Recessive and X-Linked Classification Criteria (2023). Collection method: clinical testing. Allele origin: unknown.
Comment: NM_000352.3(ABCC8):c.1247delA(Q416Rfs*34) is expected to be pathogenic in the context of familial hyperinsulinism, ABCC8-related. This variant is predicted to lead to an abnormal or absent protein product due to the creation of a premature termination codon in ABCC8, a gene where loss-of-function variants are known to be pathogenic. Please note: this variant was assessed in the context of healthy population screening.